The following is an entry in ClinVar:

NM_176787.5(PIGN):c.2238A>G (p.Ile746Met)

Gene: PIGN (phosphatidylinositol glycan anchor biosynthesis class N; minus strand). Cytogenetic location: 18q21.33.
Variant type: single nucleotide variant.
Coding change: c.2238A>G on transcript NM_176787.5 (MANE Select); coding-DNA position 2238, A replaced by G.
Protein change: p.Ile746Met; replaces isoleucine 746 with methionine.
Molecular consequence: missense variant.
Genome position (GRCh38, 1-based): chr18:62,090,521, T>C on the plus strand (A>G on the coding strand, the complement: PIGN is on the minus strand). VCF-style: chr18-62090521-T-C. GRCh37 (hg19) VCF-style: chr18-59757754-T-C.
Other names: c.2238A>G, p.Ile746Met (NM_012327.6); short protein forms I746M.
Identifiers: ClinVar variation 539565 (VCV000539565.36), dbSNP rs200658159, ClinGen allele CA8982032.

ClinVar aggregate classification (germline): Benign/Likely benign. Review status: criteria provided, multiple submitters, no conflicts (2 of 4 stars). 6 submissions from 6 submitters: Benign (2); Likely benign (4). Last evaluated 2026-02-02.

Conditions:
Inborn genetic diseases. Identifiers: MedGen C0950123, MeSH D030342.
Multiple congenital anomalies-hypotonia-seizures syndrome 1 (MCAHS1). Also called: PIGN-CDG; Congenital disorder of glycosylation due to PIGN deficiency; GLYCOSYLPHOSPHATIDYLINOSITOL BIOSYNTHESIS DEFECT 3. Identifiers: Orphanet 280633, MedGen C3279775, MONDO:0013563, OMIM 614080.

Allele frequency attached by ClinVar (database versions not stated): 1000 Genomes Project 30x 0.00031; 1000 Genomes Project 0.00040; gnomAD 0.00114 and 0.00117; ExAC 0.00130; TOPMed 0.00131; gnomAD exomes 0.00135; ESP Exome Variant Server 0.00221.
gnomAD v4.1: 1,926 of 1,611,218 alleles (0.12%); highest among the groups gnomAD compares: Non-Finnish European, 0.11%; 5 homozygotes.

Submissions (6):

Labcorp Genetics (formerly Invitae), Labcorp
Classification: Benign for Multiple congenital anomalies-hypotonia-seizures syndrome 1. Last evaluated: 2026-02-02. Review status: criteria provided, single submitter. Criteria: Invitae Variant Classification Sherloc (09022015). Collection method: clinical testing. Allele origin: germline.

CeGaT Center for Human Genetics Tuebingen
Classification: Benign. Last evaluated: 2025-06-01. Review status: criteria provided, single submitter. Criteria: CeGaT Center For Human Genetics Tuebingen Variant Classification Criteria Version 2. Collection method: clinical testing. Allele origin: germline. Affected: yes. Observed: 2 variant alleles.
Comment: PIGN: PM5, BP4, BS1, BS2

Blueprint Genetics
Classification: Likely benign. Last evaluated: 2024-11-25. Review status: criteria provided, single submitter. Criteria: ACMG Guidelines, 2015. Collection method: clinical testing. Allele origin: germline.

GeneDx
Classification: Likely benign. Last evaluated: 2021-02-24. Review status: criteria provided, single submitter. Criteria: GeneDx Variant Classification Process June 2021. Collection method: clinical testing. Allele origin: germline. Affected: yes.

Ambry Genetics
Classification: Likely benign for Inborn genetic diseases. Last evaluated: 2018-07-27. Review status: criteria provided, single submitter. Criteria: Ambry Variant Classification Scheme 2023. Collection method: clinical testing. Allele origin: germline.

Athena Diagnostics
Classification: Likely benign. Last evaluated: 2018-07-26. Review status: criteria provided, single submitter. Criteria: Athena Diagnostics Criteria. Collection method: clinical testing. Allele origin: germline.

Literature cited by the submitters: PubMed 26964041 (cited by Athena Diagnostics).